The following is an entry in ClinVar:

NM_002044.4(GALK2):c.501C>A (p.Ser167=)

Gene: GALK2 (galactokinase 2; plus strand). Cytogenetic location: 15q21.2.
Variant type: single nucleotide variant.
Coding change: c.501C>A on transcript NM_002044.4 (MANE Select); coding-DNA position 501, C replaced by A.
Protein change: p.Ser167=; no amino-acid change (serine 167 retained).
Molecular consequence: synonymous variant. On other transcripts: non-coding transcript variant (1).
Genome position (GRCh38, 1-based): chr15:49,239,364, C>A. VCF-style: chr15-49239364-C-A. GRCh37 (hg19) VCF-style: chr15-49531561-C-A.
Other names: c.468C>A, p.Ser156= (NM_001001556.3); c.429C>A, p.Ser143= (NM_001289030.2, NM_001289031.1); c.114C>A, p.Ser38= (NM_001352047.1, NM_001352048.2).
Identifiers: ClinVar variation 4873115 (VCV004873115.2).

ClinVar aggregate classification (germline): Likely benign (1 of 4 stars; one submission).

Submission:

CeGaT Center for Human Genetics Tuebingen
Classification: Likely benign. Last evaluated: 2026-06-01. Review status: criteria provided, single submitter. Criteria: CeGaT Center For Human Genetics Tuebingen Variant Classification Criteria Version 2. Collection method: clinical testing. Allele origin: germline. Affected: yes. Observed: 1 variant allele.
Comment: GALK2: PM2:Supporting, BP4, BP7